The following is an entry in ClinVar:

NM_001605.3(AARS1):c.1071+1G>A

Gene: AARS1 (alanyl-tRNA synthetase 1; minus strand). Cytogenetic location: 16q22.1.
Variant type: single nucleotide variant.
Coding change: c.1071+1G>A on transcript NM_001605.3 (MANE Select); the canonical splice donor site of the intron after coding-DNA position 1071, G replaced by A.
Molecular consequence: splice donor variant.
Genome position (GRCh38, 1-based): chr16:70,268,270, C>T on the plus strand (G>A on the coding strand, the complement: AARS1 is on the minus strand). VCF-style: chr16-70268270-C-T. GRCh37 (hg19) VCF-style: chr16-70302173-C-T.
Identifiers: ClinVar variation 1682258 (VCV001682258.8), dbSNP rs2152160643, ClinGen allele CA396564043.

ClinVar aggregate classification (germline): Likely pathogenic (1 of 4 stars; one submission).

Conditions:
Charcot-Marie-Tooth disease type 2. Also called: Charcot-Marie-Tooth type 2. Identifiers: Orphanet 64746, MedGen C0270914, MONDO:0018993.

gnomAD v4.1: 3 of 1,613,782 alleles (0.00019%); highest among the groups gnomAD compares: Non-Finnish European, 0.00017%; no homozygotes.

Submission:

Labcorp Genetics (formerly Invitae), Labcorp
Classification: Likely pathogenic for Charcot-Marie-Tooth disease type 2. Last evaluated: 2023-07-21. Review status: criteria provided, single submitter. Criteria: Invitae Variant Classification Sherloc (09022015). Collection method: clinical testing. Allele origin: germline.
Comment: This sequence change affects a donor splice site in intron 8 of the AARS gene. It is expected to disrupt RNA splicing. Variants that disrupt the donor or acceptor splice site typically lead to a loss of protein function (PMID: 16199547), and loss-of-function variants in AARS are known to be pathogenic (PMID: 25817015, 28493438, 34446925). This variant is not present in population databases (gnomAD no frequency). This variant has not been reported in the literature in individuals affected with AARS-related conditions. ClinVar contains an entry for this variant (Variation ID: 1682258). Algorithms developed to predict the effect of sequence changes on RNA splicing suggest that this variant may disrupt the consensus splice site. In summary, the currently available evidence indicates that the variant is pathogenic, but additional data are needed to prove that conclusively. Therefore, this variant has been classified as Likely Pathogenic.

Literature cited by the submitters: PubMed 16199547; PubMed 25817015; PubMed 28493438; PubMed 34446925.